The following is an entry in ClinVar:

NM_001254.4(CDC6):c.878G>T (p.Gly293Val)

Gene: CDC6 (cell division cycle 6; plus strand). Cytogenetic location: 17q21.2.
Variant type: single nucleotide variant.
Coding change: c.878G>T on transcript NM_001254.4 (MANE Select); coding-DNA position 878, G replaced by T.
Protein change: p.Gly293Val; replaces glycine 293 with valine.
Molecular consequence: missense variant.
Genome position (GRCh38, 1-based): chr17:40,293,991, G>T. VCF-style: chr17-40293991-G-T. GRCh37 (hg19) VCF-style: chr17-38450243-G-T.
Other names: short protein forms G293V.
Identifiers: ClinVar variation 3829876 (VCV003829876.3).

ClinVar aggregate classification (germline): Uncertain significance. Review status: criteria provided, multiple submitters, no conflicts (2 of 4 stars). 3 submissions from 3 submitters: Uncertain significance (3). Last evaluated 2025-09-15.

gnomAD v4.1: 16 of 1,613,994 alleles (0.00099%); highest among the groups gnomAD compares: Admixed American, 0.0067%; no homozygotes.

Submissions (3):

Labcorp Genetics (formerly Invitae), Labcorp
Classification: Uncertain significance. Last evaluated: 2025-09-15. Review status: criteria provided, single submitter. Criteria: Invitae Variant Classification Sherloc (09022015). Collection method: clinical testing. Allele origin: germline.
Comment: This sequence change replaces glycine, which is neutral and non-polar, with valine, which is neutral and non-polar, at codon 293 of the CDC6 protein (p.Gly293Val). This variant is present in population databases (rs775505043, gnomAD 0.006%). This variant has not been reported in the literature in individuals affected with CDC6-related conditions. ClinVar contains an entry for this variant (Variation ID: 3829876). An algorithm developed to predict the effect of missense changes on protein structure and function (PolyPhen-2) suggests that this variant is likely to be disruptive. In summary, the available evidence is currently insufficient to determine the role of this variant in disease. Therefore, it has been classified as a Variant of Uncertain Significance.

Ambry Genetics
Classification: Uncertain significance. Last evaluated: 2025-02-11. Review status: criteria provided, single submitter. Criteria: Ambry Variant Classification Scheme 2023. Collection method: clinical testing. Allele origin: germline.

Blueprint Genetics
Classification: Uncertain significance. Last evaluated: 2024-09-04. Review status: criteria provided, single submitter. Criteria: ACMG Guidelines, 2015. Collection method: clinical testing. Allele origin: germline.